The following is an entry in ClinVar:

ClinVar aggregate classification (germline): Uncertain significance (1 of 4 stars; one submission).

Conditions:
CHARGE syndrome (CHARGE). Also called: Hittner Hirsch Kreh syndrome; CHARGE ASSOCIATION--COLOBOMA, HEART ANOMALY, CHOANAL ATRESIA, RETARDATION, GENITAL AND EAR ANOMALIES; Coloboma, heart anomaly, choanal atresia, retardation, genital and ear anomalies; CHARGE association; Hall-Hittner syndrome. Identifiers: Orphanet 138, MedGen C0265354, MONDO:0008965.

Submission:

Labcorp Genetics (formerly Invitae), Labcorp
Classification: Uncertain significance for CHARGE syndrome. Last evaluated: 2025-03-10. Review status: criteria provided, single submitter. Criteria: Invitae Variant Classification Sherloc (09022015). Collection method: clinical testing. Allele origin: germline.
Comment: This sequence change affects codon 899 of the CHD7 mRNA. It is a 'silent' change, meaning that it does not change the encoded amino acid sequence of the CHD7 protein. This variant also falls at the last nucleotide of exon 9, which is part of the consensus splice site for this exon. This variant is not present in population databases (gnomAD no frequency). This variant has not been reported in the literature in individuals affected with CHD7-related conditions. Variants that disrupt the consensus splice site are a relatively common cause of aberrant splicing (PMID: 17576681, 9536098). Algorithms developed to predict the effect of sequence changes on RNA splicing suggest that this variant may disrupt the consensus splice site. In summary, the available evidence is currently insufficient to determine the role of this variant in disease. Therefore, it has been classified as a Variant of Uncertain Significance.

Literature cited by the submitters: PubMed 17576681; PubMed 9536098.

NM_017780.4(CHD7):c.2697G>A (p.Glu899=)

Gene: CHD7 (chromodomain helicase DNA binding protein 7; plus strand). Cytogenetic location: 8q12.2.
Variant type: single nucleotide variant.
Coding change: c.2697G>A on transcript NM_017780.4 (MANE Select); coding-DNA position 2697, G replaced by A.
Protein change: p.Glu899=; no amino-acid change (glutamic acid 899 retained).
Molecular consequence: synonymous variant. On other transcripts: intron variant (1).
Genome position (GRCh38, 1-based): chr8:60,820,090, G>A. VCF-style: chr8-60820090-G-A. GRCh37 (hg19) VCF-style: chr8-61732649-G-A.
Other names: c.1716+39040G>A (NM_001316690.1).
Identifiers: ClinVar variation 4714829 (VCV004714829.1).